The following is an entry in ClinVar:

ClinVar aggregate classification (germline): Benign/Likely benign. Review status: criteria provided, multiple submitters, no conflicts (2 of 4 stars). 4 submissions from 4 submitters: Benign (1); Likely benign (3). Last evaluated 2026-09-01.

Conditions:
Early-infantile DEE. Also called: Early infantile epileptic encephalopathy; Early infantile epileptic encephalopathy with suppression bursts; Ohtahara syndrome. Identifiers: Orphanet 1934, MedGen C0393706, MONDO:0800491.
Inborn genetic diseases. Identifiers: MedGen C0950123, MeSH D030342.

Allele frequency attached by ClinVar (database versions not stated): gnomAD 0.00001 and 0.00003; ExAC 0.00003; TOPMed 0.00003; gnomAD exomes 0.00005 and 0.00010; 1000 Genomes Project 30x 0.00016; 1000 Genomes Project 0.00020.
gnomAD v4.1: 32 of 1,614,026 alleles (0.002%); highest among the groups gnomAD compares: Admixed American, 0.048%; no homozygotes.

Submissions (4):

CeGaT Center for Human Genetics Tuebingen
Classification: Likely benign. Last evaluated: 2026-09-01. Review status: criteria provided, single submitter. Criteria: CeGaT Center For Human Genetics Tuebingen Variant Classification Criteria Version 2. Collection method: clinical testing. Allele origin: germline. Affected: yes. Observed: 1 variant allele.
Comment: SCN8A: BP4, BP7

Labcorp Genetics (formerly Invitae), Labcorp
Classification: Likely benign for Early-infantile DEE. Last evaluated: 2025-07-28. Review status: criteria provided, single submitter. Criteria: Invitae Variant Classification Sherloc (09022015). Collection method: clinical testing. Allele origin: germline.

GeneDx
Classification: Benign. Last evaluated: 2021-02-23. Review status: criteria provided, single submitter. Criteria: GeneDx Variant Classification Process June 2021. Collection method: clinical testing. Allele origin: germline. Affected: yes.

Ambry Genetics
Classification: Likely benign for Inborn genetic diseases. Last evaluated: 2018-12-02. Review status: criteria provided, single submitter. Criteria: Ambry Variant Classification Scheme 2023. Collection method: clinical testing. Allele origin: germline.

NM_001330260.2(SCN8A):c.5580G>A (p.Gly1860=)

Gene: SCN8A (sodium voltage-gated channel alpha subunit 8; plus strand). Cytogenetic location: 12q13.13.
Variant type: single nucleotide variant.
Coding change: c.5580G>A on transcript NM_001330260.2 (MANE Select); coding-DNA position 5580, G replaced by A.
Protein change: p.Gly1860=; no amino-acid change (glycine 1860 retained).
Molecular consequence: synonymous variant.
Genome position (GRCh38, 1-based): chr12:51,807,066, G>A. VCF-style: chr12-51807066-G-A. GRCh37 (hg19) VCF-style: chr12-52200850-G-A.
Other names: c.5457G>A, p.Gly1819= (NM_001177984.3, NM_001369788.1); c.5580G>A, p.Gly1860= (NM_014191.4).
Identifiers: ClinVar variation 240887 (VCV000240887.17), dbSNP rs201484402, ClinGen allele CA6571931.